The following is an entry in ClinVar:

NM_201384.3(PLEC):c.7829C>T (p.Ala2610Val)

Gene: PLEC (plectin; minus strand). Cytogenetic location: 8q24.3.
Variant type: single nucleotide variant.
Coding change: c.7829C>T on transcript NM_201384.3 (MANE Select); coding-DNA position 7829, C replaced by T.
Protein change: p.Ala2610Val; replaces alanine 2610 with valine.
Molecular consequence: missense variant.
Genome position (GRCh38, 1-based): chr8:143,921,992, G>A on the plus strand (C>T on the coding strand, the complement: PLEC is on the minus strand). VCF-style: chr8-143921992-G-A. GRCh37 (hg19) VCF-style: chr8-144996160-G-A.
Other names: c.7910C>T, p.Ala2637Val (NM_000445.5); c.7787C>T, p.Ala2596Val (NM_201378.4); c.7763C>T, p.Ala2588Val (NM_201379.3); c.8240C>T, p.Ala2747Val (NM_201380.4); c.7733C>T, p.Ala2578Val (NM_201381.3); c.7829C>T, p.Ala2610Val (NM_201382.4); c.7841C>T, p.Ala2614Val (NM_201383.3); short protein forms A2747V, A2588V, A2596V, A2614V, A2578V, A2610V, A2637V.
Identifiers: ClinVar variation 859500 (VCV000859500.11), dbSNP rs782085255, ClinGen allele CA4925507.
Genomic context (GRCh38, chr8:143,921,992, plus strand): 5'-CGGCCATTGGGCAGGGTCTTTGTGGCAGCCACCTGCGAGGCAGTGACCTCCTCTGAGTGC[G>A]CCAGCGCGGCCCGGTGCTGCTCCTCCAGGAGCTGCAGCTGCTCACGCAGCCTCTGGTTCT-3'
Protein context (NP_958786.1, residues 2600-2620): LLEEQHRAAL[Ala2610Val]HSEEVTASQV

ClinVar aggregate classification (germline): Uncertain significance. Review status: criteria provided, multiple submitters, no conflicts (2 of 4 stars). 4 submissions from 4 submitters: Uncertain significance (4). Last evaluated 2025-02-14.

Conditions:
Epidermolysis bullosa simplex 5B, with muscular dystrophy (EBS5B). Also called: Epidermolysis bullosa simplex with muscular dystrophy; EPIDERMOLYSIS BULLOSA SIMPLEX AND LIMB-GIRDLE MUSCULAR DYSTROPHY. Identifiers: Orphanet 257, MedGen C2931072, MONDO:0009181, OMIM 226670.
Epidermolysis bullosa simplex 5C, with pyloric atresia (EBS5C). Also called: PLEC1-Related Epidermolysis Bullosa with Pyloric Atresia; Epidermolysis bullosa simplex with pyloric atresia; PLEC-Related Epidermolysis Bullosa with Pyloric Atresia. Identifiers: Orphanet 158684, MedGen C2677349, MONDO:0012807, OMIM 612138.
Epidermolysis bullosa simplex, Ogna type (EBS5A). Also called: Pidermolysis bullosa simplex 5A, Ogna type; EPIDERMOLYSIS BULLOSA SIMPLEX 5A, OGNA TYPE. Identifiers: Orphanet 79401, MedGen C0432317, MONDO:0007555, OMIM 131950.
Autosomal recessive limb-girdle muscular dystrophy type 2Q (LGMDR17). Also called: MUSCULAR DYSTROPHY, LIMB-GIRDLE, AUTOSOMAL RECESSIVE 17. Identifiers: Orphanet 254361, MedGen C3150989, MONDO:0013390, OMIM 613723.
Epidermolysis bullosa simplex with nail dystrophy (EBS5D). Identifiers: MedGen C4225309, MONDO:0014661, OMIM 616487.
Inborn genetic diseases. Identifiers: MedGen C0950123, MeSH D030342.

Allele frequency attached by ClinVar (database versions not stated): gnomAD exomes 0.00002 and 0.00004; ExAC 0.00005; TOPMed 0.00005; gnomAD 0.00006.
gnomAD v4.1: 37 of 1,598,254 alleles (0.0023%); highest among the groups gnomAD compares: African/African-American, 0.017%; no homozygotes.

Submissions (4):

Ambry Genetics
Classification: Uncertain significance for Inborn genetic diseases. Last evaluated: 2025-02-14. Review status: criteria provided, single submitter. Criteria: Ambry Variant Classification Scheme 2023. Collection method: clinical testing. Allele origin: germline.

Labcorp Genetics (formerly Invitae), Labcorp
Classification: Uncertain significance for Autosomal recessive limb-girdle muscular dystrophy type 2Q; Epidermolysis bullosa simplex, Ogna type; Epidermolysis bullosa simplex with nail dystrophy; Epidermolysis bullosa simplex 5C, with pyloric atresia; Epidermolysis bullosa simplex 5B, with muscular dystrophy. Last evaluated: 2024-10-21. Review status: criteria provided, single submitter. Criteria: Invitae Variant Classification Sherloc (09022015). Collection method: clinical testing. Allele origin: germline.
Comment: This sequence change replaces alanine, which is neutral and non-polar, with valine, which is neutral and non-polar, at codon 2637 of the PLEC protein (p.Ala2637Val). This variant is present in population databases (rs782085255, gnomAD 0.01%). This variant has not been reported in the literature in individuals affected with PLEC-related conditions. ClinVar contains an entry for this variant (Variation ID: 859500). Invitae Evidence Modeling of protein sequence and biophysical properties (such as structural, functional, and spatial information, amino acid conservation, physicochemical variation, residue mobility, and thermodynamic stability) indicates that this missense variant is not expected to disrupt PLEC protein function with a negative predictive value of 80%. In summary, the available evidence is currently insufficient to determine the role of this variant in disease. Therefore, it has been classified as a Variant of Uncertain Significance.

Revvity Omics, Revvity
Classification: Uncertain significance. Last evaluated: 2021-10-25. Review status: criteria provided, single submitter. Criteria: ACMG Guidelines, 2015. Collection method: clinical testing. Allele origin: germline.

Athena Diagnostics
Classification: Uncertain significance. Last evaluated: 2020-02-17. Review status: criteria provided, single submitter. Criteria: Athena Diagnostics Criteria. Collection method: clinical testing. Allele origin: unknown.